The following is an entry in ClinVar:

ClinVar aggregate classification (germline): Uncertain significance (1 of 4 stars; one submission).

Submission:

CeGaT Center for Human Genetics Tuebingen
Classification: Uncertain significance. Last evaluated: 2022-08-01. Review status: criteria provided, single submitter. Criteria: CeGaT Center For Human Genetics Tuebingen Variant Classification Criteria Version 2. Collection method: clinical testing. Allele origin: germline. Affected: yes. Observed: 1 variant allele.
Comment: TRPM7: PM2

NM_017672.6(TRPM7):c.1448G>A (p.Gly483Asp)

Gene: TRPM7 (transient receptor potential cation channel subfamily M member 7; minus strand). Cytogenetic location: 15q21.2.
Variant type: single nucleotide variant.
Coding change: c.1448G>A on transcript NM_017672.6 (MANE Select); coding-DNA position 1448, G replaced by A.
Protein change: p.Gly483Asp; replaces glycine 483 with aspartic acid.
Molecular consequence: missense variant. On other transcripts: non-coding transcript variant (3).
Genome position (GRCh38, 1-based): chr15:50,619,791, C>T on the plus strand (G>A on the coding strand, the complement: TRPM7 is on the minus strand). VCF-style: chr15-50619791-C-T. GRCh37 (hg19) VCF-style: chr15-50911988-C-T.
Other names: c.1448G>A, p.Gly483Asp (NM_001301212.2); short protein forms G483D.
Identifiers: ClinVar variation 2645330 (VCV002645330.24), dbSNP rs2542408074, ClinGen allele CA392412264.